The following is an entry in ClinVar:

NM_001394998.1(TANC2):c.19A>T (p.Lys7Ter)

Gene: TANC2 (tetratricopeptide repeat, ankyrin repeat and coiled-coil containing 2; plus strand). Cytogenetic location: 17q23.2.
Variant type: single nucleotide variant.
Coding change: c.19A>T on transcript NM_001394998.1 (MANE Select); coding-DNA position 19, A replaced by T.
Protein change: p.Lys7Ter; replaces lysine 7 with a stop codon.
Molecular consequence: nonsense.
Genome position (GRCh38, 1-based): chr17:63,009,578, A>T. VCF-style: chr17-63009578-A-T. GRCh37 (hg19) VCF-style: chr17-61086939-A-T.
Other names: c.19A>T, p.Lys7Ter (NM_001411076.1, NM_025185.4); short protein forms K7*.
Identifiers: ClinVar variation 3965327 (VCV003965327.1).

ClinVar aggregate classification (germline): Uncertain significance (1 of 4 stars; one submission).

Conditions:
Inborn genetic diseases. Identifiers: MedGen C0950123, MeSH D030342.

Submission:

Ambry Genetics
Classification: Uncertain significance for Inborn genetic diseases. Last evaluated: 2025-03-20. Review status: criteria provided, single submitter. Criteria: Ambry Variant Classification Scheme 2023. Collection method: clinical testing. Allele origin: germline.
Comment: The c.19A>T (p.K7*) alteration, located in exon 1 (coding exon 1) of the TANC2 gene, consists of a A to T substitution at nucleotide position 19. This changes the amino acid from a lysine (K) to a stop codon at amino acid position 7. The predicted stop codon occurs in the 5&rsquo; end of the TANC2 gene. Premature termination codons in the 5&rsquo; end of a gene have been reported to escape nonsense-mediated mRNA decay and/or lead to re-initiation (Rivas, 2015; Lindeboom, 2016; Rhee, 2017). The exact functional effect of this alteration is unknown. This variant was not reported in population-based cohorts in the Genome Aggregation Database (gnomAD). Based on insufficient or conflicting evidence, the clinical significance of this alteration remains unclear.

Literature cited by the submitters: PubMed 25954003; PubMed 27618451; PubMed 28490743.